The following is an entry in ClinVar:

ClinVar aggregate classification (germline): Likely benign. Review status: criteria provided, single submitter (1 of 4 stars). 2 submissions from 2 submitters: Likely benign (1). 1 of the submissions does not count toward it. Last evaluated 2025-08-24.

Conditions:
ZFHX4-related disorder. Also called: ZFHX4-related condition.

Allele frequency attached by ClinVar (database versions not stated): gnomAD 0.00005; gnomAD exomes 0.00012; TOPMed 0.00018; ExAC 0.00071.
gnomAD v4.1: 188 of 1,613,600 alleles (0.012%); highest among the groups gnomAD compares: Admixed American, 0.26%; 3 homozygotes.

Submissions (2):

Ambry Genetics
Classification: Likely benign. Last evaluated: 2025-08-24. Review status: criteria provided, single submitter. Criteria: Ambry Variant Classification Scheme 2023. Collection method: clinical testing. Allele origin: germline.

PreventionGenetics, part of Exact Sciences
Classification: Likely benign for ZFHX4-related condition. Last evaluated: 2019-05-13. Review status: no assertion criteria provided. Collection method: clinical testing. Allele origin: germline. Not counted in ClinVar's aggregate classification.
Comment: This variant is classified as likely benign based on ACMG/AMP sequence variant interpretation guidelines (Richards et al. 2015 PMID: 25741868, with internal and published modifications).

NM_024721.5(ZFHX4):c.4393G>A (p.Val1465Met)

Gene: ZFHX4 (zinc finger homeobox 4; plus strand). Cytogenetic location: 8q21.13.
Variant type: single nucleotide variant.
Coding change: c.4393G>A on transcript NM_024721.5 (MANE Select); coding-DNA position 4393, G replaced by A.
Protein change: p.Val1465Met; replaces valine 1465 with methionine.
Molecular consequence: missense variant.
Genome position (GRCh38, 1-based): chr8:76,851,314, G>A. VCF-style: chr8-76851314-G-A. GRCh37 (hg19) VCF-style: chr8-77763550-G-A.
Other names: c.4315G>A, p.Val1439Met (NM_001410934.1); short protein forms V1439M, V1465M.
Identifiers: ClinVar variation 3042013 (VCV003042013.3), dbSNP rs769233887, ClinGen allele CA4787503.
Genomic context (GRCh38, chr8:76,851,314, plus strand): 5'-GAAGCAGGCCACCCTGAACTGAGTGAAGCTGAACTTCAACAGCTATATGCCTCCTTGCCC[G>A]TGAATGGAGAACTGTGGGCAGAGAGCGAAACTATGTCCCAGGATGACCATGGCCTAGAGC-3'
Protein context (NP_078997.4, residues 1455-1475): ELQQLYASLP[Val1465Met]NGELWAESET